The following is an entry in ClinVar:

NM_130839.5(UBE3A):c.790G>A (p.Val264Met)

Genes: SNHG14 (small nucleolar RNA host gene 14; plus strand), UBE3A (ubiquitin protein ligase E3A; minus strand). Cytogenetic location: 15q11.2.
Variant type: single nucleotide variant.
Coding change: c.790G>A on transcript NM_130839.5 (MANE Select); coding-DNA position 790, G replaced by A.
Protein change: p.Val264Met; replaces valine 264 with methionine.
Molecular consequence: missense variant. On other transcripts: non-coding transcript variant (1), intron variant (2).
Genome position (GRCh38, 1-based): chr15:25,371,384, C>T on the plus strand (G>A on the coding strand, the complement: UBE3A is on the minus strand). VCF-style: chr15-25371384-C-T. GRCh37 (hg19) VCF-style: chr15-25616531-C-T.
Other names: c.799G>A, p.Val267Met (NM_000462.5); c.790G>A, p.Val264Met (NM_001354505.1, NM_001354538.2, NM_001354545.2); c.730G>A, p.Val244Met (NM_001354506.2, NM_001354507.2, NM_001354508.2 and 17 more transcripts); c.613G>A, p.Val205Met (NM_001354546.2); c.301+4081G>A (NM_001354551.2); c.361+4081G>A (NM_001354550.2); c.730G>A (NM_130838.1); short protein forms V244M, V267M, V205M, V264M.
Identifiers: ClinVar variation 1036134 (VCV001036134.10), dbSNP rs745363984, ClinGen allele CA7435588.

ClinVar aggregate classification (germline): Conflicting classifications of pathogenicity. Review status: criteria provided, conflicting classifications (1 of 4 stars). 3 submissions from 3 submitters: Uncertain significance (2); Likely benign (1). Last evaluated 2024-11-25.

Conditions:
Inborn genetic diseases. Identifiers: MedGen C0950123, MeSH D030342.
Angelman syndrome (AS). Also called: HAPPY PUPPET SYNDROME. Identifiers: Orphanet 72, MedGen C0162635, MONDO:0007113, OMIM 105830. Disease mechanism: loss of function. Inheritance: AS is caused by disruption of maternally imprinted UBE3A located within the 15q11.2-q13 Angelman syndrome/Prader-Willi syndrome (AS/PWS) region., imprinting disorder.

Allele frequency attached by ClinVar (database versions not stated): gnomAD 0.00001; TOPMed 0.00001; ExAC 0.00002; gnomAD exomes 0.00002.
gnomAD v4.1: 32 of 1,613,832 alleles (0.002%); highest among the groups gnomAD compares: Middle Eastern, 0.016%; no homozygotes.

Submissions (3):

Labcorp Genetics (formerly Invitae), Labcorp
Classification: Uncertain significance for Angelman syndrome. Last evaluated: 2024-11-25. Review status: criteria provided, single submitter. Criteria: Invitae Variant Classification Sherloc (09022015). Collection method: clinical testing. Allele origin: germline.
Comment: This sequence change replaces valine, which is neutral and non-polar, with methionine, which is neutral and non-polar, at codon 244 of the UBE3A protein (p.Val244Met). This variant is present in population databases (rs745363984, gnomAD 0.006%). This variant has not been reported in the literature in individuals affected with UBE3A-related conditions. ClinVar contains an entry for this variant (Variation ID: 1036134). Invitae Evidence Modeling of protein sequence and biophysical properties (such as structural, functional, and spatial information, amino acid conservation, physicochemical variation, residue mobility, and thermodynamic stability) indicates that this missense variant is not expected to disrupt UBE3A protein function with a negative predictive value of 80%. In summary, the available evidence is currently insufficient to determine the role of this variant in disease. Therefore, it has been classified as a Variant of Uncertain Significance.

GeneDx
Classification: Uncertain significance. Last evaluated: 2024-06-21. Review status: criteria provided, single submitter. Criteria: GeneDx Variant Classification Process June 2021. Collection method: clinical testing. Allele origin: germline. Affected: yes.
Comment: In silico analysis indicates that this missense variant does not alter protein structure/function; Has not been previously published as pathogenic or benign to our knowledge

Ambry Genetics
Classification: Likely benign for Inborn genetic diseases. Last evaluated: 2024-05-16. Review status: criteria provided, single submitter. Criteria: Ambry Variant Classification Scheme 2023. Collection method: clinical testing. Allele origin: germline.